The following is an entry in ClinVar:

ClinVar aggregate classification (germline): Uncertain significance. Review status: criteria provided, multiple submitters, no conflicts (2 of 4 stars). 2 submissions from 2 submitters: Uncertain significance (2). Last evaluated 2025-06-30.

Conditions:
Cardiomyopathy (CMYO). Also called: Cardiomyopathies. Identifiers: Orphanet 167848, MedGen C0878544, MONDO:0004994, HP:0001638. Inheritance: Various modes of inheritance.
Arrhythmogenic cardiomyopathy with wooly hair and keratoderma. Also called: Arrhythmogenic cardiomyopathy with woolly hair and keratoderma; PALMOPLANTAR KERATODERMA WITH LEFT VENTRICULAR CARDIOMYOPATHY AND WOOLLY HAIR; Carvajal syndrome; Dilated cardiomyopathy with woolly hair and keratoderma. Identifiers: Orphanet 65282, MedGen C1854063, MONDO:0011581, OMIM 605676.
Arrhythmogenic right ventricular dysplasia 8 (ARVD8). Also called: Arrhythmogenic Right Ventricular Dysplasia/Cardiomyopathy 8; ARRHYTHMOGENIC RIGHT VENTRICULAR DYSPLASIA, FAMILIAL, 8; ARRHYTHMOGENIC RIGHT VENTRICULAR CARDIOMYOPATHY 8. Identifiers: MedGen C1843896, MONDO:0011831, OMIM 607450.

Submissions (2):

Color Diagnostics, LLC DBA Color Health
Classification: Uncertain significance for Cardiomyopathy. Last evaluated: 2025-06-30. Review status: criteria provided, single submitter. Criteria: ACMG Guidelines, 2015. Collection method: clinical testing. Allele origin: germline.
Comment: This missense variant replaces glycine with arginine at codon 1768 of the DSP protein. Computational prediction suggests that this variant may not impact protein structure and function. To our knowledge, functional studies have not been reported for this variant. This variant has not been reported in individuals affected with DSP-related disorders in the literature. This variant has not been identified in the general population by the Genome Aggregation Database (gnomAD). The available evidence is insufficient to determine the role of this variant in disease conclusively. Therefore, this variant is classified as a Variant of Uncertain Significance.

Labcorp Genetics (formerly Invitae), Labcorp
Classification: Uncertain significance for Arrhythmogenic cardiomyopathy with wooly hair and keratoderma; Arrhythmogenic right ventricular dysplasia 8. Last evaluated: 2024-07-03. Review status: criteria provided, single submitter. Criteria: Invitae Variant Classification Sherloc (09022015). Collection method: clinical testing. Allele origin: germline.
Comment: This sequence change replaces glycine, which is neutral and non-polar, with arginine, which is basic and polar, at codon 1768 of the DSP protein (p.Gly1768Arg). This variant is not present in population databases (gnomAD no frequency). This variant has not been reported in the literature in individuals affected with DSP-related conditions. An algorithm developed to predict the effect of missense changes on protein structure and function (PolyPhen-2) suggests that this variant is likely to be disruptive. In summary, the available evidence is currently insufficient to determine the role of this variant in disease. Therefore, it has been classified as a Variant of Uncertain Significance.

NM_004415.4(DSP):c.5302G>A (p.Gly1768Arg)

Gene: DSP (desmoplakin; plus strand). Cytogenetic location: 6p24.3.
Variant type: single nucleotide variant.
Coding change: c.5302G>A on transcript NM_004415.4 (MANE Select); coding-DNA position 5302, G replaced by A.
Protein change: p.Gly1768Arg; replaces glycine 1768 with arginine.
Molecular consequence: missense variant. On other transcripts: intron variant (2).
Genome position (GRCh38, 1-based): chr6:7,581,492, G>A. VCF-style: chr6-7581492-G-A. GRCh37 (hg19) VCF-style: chr6-7581725-G-A.
Other names: c.4051-1150G>A (NM_001319034.2); c.3583-1150G>A (NM_001008844.3); short protein forms G1768R.
Identifiers: ClinVar variation 3761104 (VCV003761104.3).